The following is an entry in ClinVar:

NM_004036.5(ADCY3):c.3058G>A (p.Ala1020Thr)

Genes: ADCY3 (adenylate cyclase 3; minus strand), CENPO (centromere protein O; plus strand). Cytogenetic location: 2p23.3.
Variant type: single nucleotide variant.
Coding change: c.3058G>A on transcript NM_004036.5 (MANE Select); coding-DNA position 3058, G replaced by A.
Protein change: p.Ala1020Thr; replaces alanine 1020 with threonine.
Molecular consequence: missense variant. On other transcripts: 3 prime UTR variant (3), non-coding transcript variant (3).
Genome position (GRCh38, 1-based): chr2:24,821,586, C>T on the plus strand (G>A on the coding strand, the complement: ADCY3 is on the minus strand). VCF-style: chr2-24821586-C-T. GRCh37 (hg19) VCF-style: chr2-25044455-C-T.
Other names: c.3061G>A, p.Ala1021Thr (NM_001320613.2); c.3124G>A, p.Ala1042Thr (NM_001377128.1); c.2920G>A, p.Ala974Thr (NM_001377129.1); c.2506G>A, p.Ala836Thr (NM_001377130.1); c.2335G>A, p.Ala779Thr (NM_001377131.1); c.3058G>A, p.Ala1020Thr (NM_001377132.1); c.*2268C>T (NM_001199803.3, NM_001322101.2, NM_024322.4); short protein forms A1021T, A974T, A1020T, A1042T, A779T, A836T.
Identifiers: ClinVar variation 4981559 (VCV004981559.1).

ClinVar aggregate classification (germline): Uncertain significance (1 of 4 stars; one submission).

Conditions:
ADCY3-related disorder. Also called: ADCY3-related condition.

gnomAD v4.1: 13 of 1,614,030 alleles (0.00081%); highest among the groups gnomAD compares: African/African-American, 0.0027%; no homozygotes.

Submission:

PreventionGenetics, part of Exact Sciences
Classification: Uncertain significance for ADCY3-related condition. Last evaluated: 2024-11-15. Review status: criteria provided, single submitter. Criteria: ACMG Guidelines, 2015. Collection method: clinical testing. Allele origin: germline.
Comment: The ADCY3 c.3061G>A variant is predicted to result in the amino acid substitution p.Ala1021Thr. To our knowledge, this variant has not been reported in the literature. This variant is reported in 0.020% of alleles in individuals of Ashkenazi Jewish descent in gnomAD. At this time, the clinical significance of this variant is uncertain due to the absence of conclusive functional and genetic evidence.